The following is an entry in ClinVar:

ClinVar aggregate classification (germline): Uncertain significance. Review status: criteria provided, multiple submitters, no conflicts (2 of 4 stars). 2 submissions from 2 submitters: Uncertain significance (2). Last evaluated 2024-05-09.

Conditions:
Hereditary cancer-predisposing syndrome. Also called: Tumor predisposition; Hereditary Cancer Syndrome; Hereditary neoplastic syndrome; Neoplastic Syndromes, Hereditary. Identifiers: Orphanet 140162, MedGen C0027672, MeSH D009386, MONDO:0015356.
Peutz-Jeghers syndrome (PJS). Also called: POLYPOSIS, HAMARTOMATOUS INTESTINAL; POLYPS-AND-SPOTS SYNDROME; Peutz-Jeghers polyposis; Periorificial lentiginosis syndrome. Identifiers: Orphanet 2869, MedGen C0031269, MeSH D010580, MONDO:0008280, OMIM 175200.

Allele frequency attached by ClinVar (database versions not stated): TOPMed below 0.00001; gnomAD exomes below 0.00001.

Submissions (2):

All of Us Research Program, National Institutes of Health
Classification: Uncertain significance for Peutz-Jeghers syndrome. Last evaluated: 2024-05-09. Review status: criteria provided, single submitter. Criteria: ACMG Guidelines, 2015. Collection method: clinical testing. Allele origin: germline. Inheritance: Autosomal dominant inheritance. Observed: 1 variant allele, 1 heterozygote.
Comment: This study involves interpretation of variants in research participants for the purpose of population health screening. Participant phenotype was not available at the time of variant classification. Additional details can be found in publication PMID: 35346344, PMCID: PMC8962531

Ambry Genetics
Classification: Uncertain significance for Hereditary cancer-predisposing syndrome. Last evaluated: 2023-12-05. Review status: criteria provided, single submitter. Criteria: Ambry Variant Classification Scheme 2023. Collection method: clinical testing. Allele origin: germline.
Comment: The p.T209N variant (also known as c.626C>A), located in coding exon 5 of the STK11 gene, results from a C to A substitution at nucleotide position 626. The threonine at codon 209 is replaced by asparagine, an amino acid with similar properties. This amino acid position is highly conserved in available vertebrate species. In addition, this alteration is predicted to be tolerated by in silico analysis. Since supporting evidence is limited at this time, the clinical significance of this alteration remains unclear.

NM_000455.5(STK11):c.626C>A (p.Thr209Asn)

Gene: STK11 (serine/threonine kinase 11; plus strand). Cytogenetic location: 19p13.3.
Variant type: single nucleotide variant.
Coding change: c.626C>A on transcript NM_000455.5 (MANE Select); coding-DNA position 626, C replaced by A.
Protein change: p.Thr209Asn; replaces threonine 209 with asparagine.
Molecular consequence: missense variant.
Genome position (GRCh38, 1-based): chr19:1,220,609, C>A. VCF-style: chr19-1220609-C-A. GRCh37 (hg19) VCF-style: chr19-1220608-C-A.
Other names: short protein forms T209N.
Identifiers: ClinVar variation 233539 (VCV000233539.6), dbSNP rs876660473, ClinGen allele CA10581007.
Genomic context (GRCh38, chr19:1,220,609, plus strand): 5'-CACTCCCTGAGGGCTGCACGGCACCGCCACAGGCACTGCACCCGTTCGCGGCGGACGACA[C>A]CTGCCGGACCAGCCAGGGCTCCCCGGCTTTCCAGCCGCCCGAGATTGCCAACGGCCTGGA-3'
Protein context (NP_000446.1, residues 199-219): EALHPFAADD[Thr209Asn]CRTSQGSPAF